The following is an entry in ClinVar:

ClinVar aggregate classification (germline): Likely benign (1 of 4 stars; one submission).

Allele frequency attached by ClinVar (database versions not stated): ExAC 0.00003; gnomAD 0.00006; TOPMed 0.00007; gnomAD exomes 0.00008; ESP Exome Variant Server 0.00009.
gnomAD v4.1: 89 of 1,206,916 alleles (0.0074%); highest among the groups gnomAD compares: Non-Finnish European, 0.0096%; no homozygotes.

Submission:

CeGaT Center for Human Genetics Tuebingen
Classification: Likely benign. Last evaluated: 2022-05-01. Review status: criteria provided, single submitter. Criteria: CeGaT Center For Human Genetics Tuebingen Variant Classification Criteria Version 2. Collection method: clinical testing. Allele origin: germline. Affected: yes. Observed: 1 variant allele.
Comment: SEPTIN6: BP4, BP7

NM_145799.4(SEPTIN6):c.420A>C (p.Leu140=)

Gene: SEPTIN6 (septin 6; minus strand). Cytogenetic location: Xq24.
Variant type: single nucleotide variant.
Coding change: c.420A>C on transcript NM_145799.4 (MANE Select); coding-DNA position 420, A replaced by C.
Protein change: p.Leu140=; no amino-acid change (leucine 140 retained).
Molecular consequence: synonymous variant.
Genome position (GRCh38, 1-based): chrX:119,652,962, T>G on the plus strand (A>C on the coding strand, the complement: SEPTIN6 is on the minus strand). VCF-style: chrX-119652962-T-G. GRCh37 (hg19) VCF-style: chrX-118786925-T-G.
Other names: c.420A>C, p.Leu140= (NM_001410710.1, NM_015129.6, NM_145800.4 and 1 more transcripts).
Identifiers: ClinVar variation 2661300 (VCV002661300.24), dbSNP rs373846041, ClinGen allele CA10502818.
Genomic context (GRCh38, chrX:119,652,962, plus strand): 5'-ATGACCCGTGGGGGCAATGAAATACAAGCAGACATGGATTCGGGAGTCATGGTAGGTGTG[T>G]AGCACTCTTCGGATCTTTAGCTCTTCCTGCAGGTAGGCCTCGAATTGTGCATCGATGAAT-3'
Protein context (NP_665798.1, residues 130-150): LQEELKIRRV[Leu140=]HTYHDSRIHV